The following is an entry in ClinVar:

NM_005055.5(RAPSN):c.195C>T (p.Phe65=)

Gene: RAPSN (receptor associated protein of the synapse; minus strand). Cytogenetic location: 11p11.2.
Variant type: single nucleotide variant.
Coding change: c.195C>T on transcript NM_005055.5 (MANE Select); coding-DNA position 195, C replaced by T.
Protein change: p.Phe65=; no amino-acid change (phenylalanine 65 retained).
Molecular consequence: synonymous variant.
Genome position (GRCh38, 1-based): chr11:47,448,148, G>A on the plus strand (C>T on the coding strand, the complement: RAPSN is on the minus strand). VCF-style: chr11-47448148-G-A. GRCh37 (hg19) VCF-style: chr11-47469700-G-A.
Other names: c.195C>T, p.Phe65= (NM_032645.5).
Identifiers: ClinVar variation 716518 (VCV000716518.11), dbSNP rs772563068, ClinGen allele CA5976790.

ClinVar aggregate classification (germline): Likely benign. Review status: criteria provided, single submitter (1 of 4 stars). 2 submissions from 2 submitters: Likely benign (1). 1 of the submissions does not count toward it. Last evaluated 2024-09-05.

Conditions:
Congenital myasthenic syndrome 11. Also called: Myasthenic syndrome, congenital, 11, associated with acetylcholine receptor deficiency; MYASTHENIC SYNDROME, CONGENITAL, Ie. Identifiers: Orphanet 590, MedGen C4225367, MONDO:0014588, OMIM 616326.
Fetal akinesia deformation sequence 1 (FADS1). Also called: Fetal akinesia sequence; Pena-Shokeir syndrome type I. Identifiers: Orphanet 994, MedGen C1276035, MONDO:0100101, OMIM 208150, HP:0001989.
RAPSN-related disorder. Also called: RAPSN-related condition; RAPSN-related disorders. Identifiers: MedGen CN239397.

Allele frequency attached by ClinVar (database versions not stated): gnomAD 0.00001; TOPMed 0.00001; gnomAD exomes 0.00002 and 0.00001; ExAC 0.00001.

Submissions (2):

Labcorp Genetics (formerly Invitae), Labcorp
Classification: Likely benign for Congenital myasthenic syndrome 11; Fetal akinesia deformation sequence 1. Last evaluated: 2024-09-05. Review status: criteria provided, single submitter. Criteria: Invitae Variant Classification Sherloc (09022015). Collection method: clinical testing. Allele origin: germline.

PreventionGenetics, part of Exact Sciences
Classification: Likely benign for RAPSN-related condition. Last evaluated: 2019-02-21. Review status: no assertion criteria provided. Collection method: clinical testing. Allele origin: germline. Not counted in ClinVar's aggregate classification.
Comment: This variant is classified as likely benign based on ACMG/AMP sequence variant interpretation guidelines (Richards et al. 2015 PMID: 25741868, with internal and published modifications).